The following is an entry in ClinVar:

ClinVar aggregate classification (germline): Uncertain significance. Review status: criteria provided, multiple submitters, no conflicts (2 of 4 stars). 3 submissions from 3 submitters: Uncertain significance (3). Last evaluated 2025-05-17.

Allele frequency attached by ClinVar (database versions not stated): TOPMed below 0.00001; ExAC 0.00001; gnomAD 0.00001.
gnomAD v4.1: 26 of 1,614,038 alleles (0.0016%); highest among the groups gnomAD compares: Non-Finnish European, 0.0019%; no homozygotes.

Submissions (3):

Labcorp Genetics (formerly Invitae), Labcorp
Classification: Uncertain significance. Last evaluated: 2025-05-17. Review status: criteria provided, single submitter. Criteria: Invitae Variant Classification Sherloc (09022015). Collection method: clinical testing. Allele origin: germline.
Comment: This sequence change replaces arginine, which is basic and polar, with glutamine, which is neutral and polar, at codon 419 of the CACNA1D protein (p.Arg419Gln). This variant is present in population databases (rs778266025, gnomAD 0.0009%). This variant has not been reported in the literature in individuals affected with CACNA1D-related conditions. ClinVar contains an entry for this variant (Variation ID: 1933983). Invitae Evidence Modeling of protein sequence and biophysical properties (such as structural, functional, and spatial information, amino acid conservation, physicochemical variation, residue mobility, and thermodynamic stability) indicates that this missense variant is expected to disrupt CACNA1D protein function with a positive predictive value of 80%. In summary, the available evidence is currently insufficient to determine the role of this variant in disease. Therefore, it has been classified as a Variant of Uncertain Significance.

Revvity Omics, Revvity
Classification: Uncertain significance. Last evaluated: 2022-08-01. Review status: criteria provided, single submitter. Criteria: ACMG Guidelines, 2015. Collection method: clinical testing. Allele origin: germline.

Blueprint Genetics
Classification: Uncertain significance. Last evaluated: 2022-02-10. Review status: criteria provided, single submitter. Criteria: ACMG Guidelines, 2015. Collection method: clinical testing. Allele origin: germline.

NM_001128840.3(CACNA1D):c.1256G>A (p.Arg419Gln)

Gene: CACNA1D (calcium voltage-gated channel subunit alpha1 D; plus strand). Cytogenetic location: 3p21.1.
Variant type: single nucleotide variant.
Coding change: c.1256G>A on transcript NM_001128840.3 (MANE Select); coding-DNA position 1256, G replaced by A.
Protein change: p.Arg419Gln; replaces arginine 419 with glutamine.
Molecular consequence: missense variant.
Genome position (GRCh38, 1-based): chr3:53,702,676, G>A. VCF-style: chr3-53702676-G-A. GRCh37 (hg19) VCF-style: chr3-53736703-G-A.
Other names: c.1256G>A, p.Arg419Gln (NM_000720.4, NM_001128839.3); short protein forms R419Q.
Identifiers: ClinVar variation 1933983 (VCV001933983.9), dbSNP rs778266025, ClinGen allele CA2453885.
Genomic context (GRCh38, chr3:53,702,676, plus strand): 5'-TGCTTGTCCTCTTTGCCTCCTTCAGAGAATTCTCAAAGGAAAGAGAGAAGGCAAAAGCAC[G>A]GGGAGATTTCCAGAAGCTCCGGGAGAAGCAGCAGCTGGAGGAGGATCTAAAGGGCTACTT-3'
Protein context (NP_001122312.1, residues 409-429): FSKEREKAKA[Arg419Gln]GDFQKLREKQ